The following is an entry in ClinVar:

ClinVar aggregate classification (germline): Uncertain significance. Review status: criteria provided, multiple submitters, no conflicts (2 of 4 stars). 7 submissions from 7 submitters: Uncertain significance (7). Last evaluated 2025-12-24.

Conditions:
Inborn genetic diseases. Identifiers: MedGen C0950123, MeSH D030342.
RYR1-related disorder. Also called: RYR1-related disorders; RYR1-related condition. Identifiers: MedGen CN239331.
Malignant hyperthermia, susceptibility to, 1 (MHS1). Also called: RYR1-Related Malignant Hyperthermia Susceptibility; Malignant hyperthermia suceptibility 1; Anesthesia related hyperthermia; Malignant hyperpyrexia; Fulminating hyperpyrexia; Pharmacogenic myopathy. Identifiers: Orphanet 423, MedGen C2930980, MONDO:0007783, OMIM 145600.

Allele frequency attached by ClinVar (database versions not stated): gnomAD exomes below 0.00001 and 0.00002; TOPMed 0.00001; gnomAD 0.00001.

Submissions (7):

Ambry Genetics
Classification: Uncertain significance for Inborn genetic diseases. Last evaluated: 2025-12-24. Review status: criteria provided, single submitter. Criteria: Ambry Variant Classification Scheme 2023. Collection method: clinical testing. Allele origin: germline.
Comment: The c.3686T>C (p.M1229T) alteration is located in exon 27 (coding exon 27) of the RYR1 gene. This alteration results from a T to C substitution at nucleotide position 3686, causing the methionine (M) at amino acid position 1229 to be replaced by a threonine (T). Based on data from gnomAD, the C allele has an overall frequency of <0.001% (1/251348) total alleles studied. The highest observed frequency was 0.001% (1/113658) of European (non-Finnish) alleles. Based on insufficient or conflicting evidence, the clinical significance of this alteration remains unclear.

Color Diagnostics, LLC DBA Color Health
Classification: Uncertain significance for Malignant hyperthermia, susceptibility to, 1. Last evaluated: 2025-06-09. Review status: criteria provided, single submitter. Criteria: ACMG Guidelines, 2015. Collection method: clinical testing. Allele origin: germline.
Comment: This missense variant replaces methionine with threonine at codon 1229 of the RYR1 protein. Computational prediction suggests that this variant may have deleterious impact on protein structure and function. To our knowledge, functional studies have not been reported for this variant. This variant has not been reported in individuals affected with RYR1-related disorders in the literature. This variant has been identified in 1/251348 chromosomes in the general population by the Genome Aggregation Database (gnomAD). The available evidence is insufficient to determine the role of this variant in disease conclusively. Therefore, this variant is classified as a Variant of Uncertain Significance.

GeneDx
Classification: Uncertain significance. Last evaluated: 2025-05-30. Review status: criteria provided, single submitter. Criteria: GeneDx Variant Classification Process June 2021. Collection method: clinical testing. Allele origin: germline. Affected: yes.
Comment: Not observed at significant frequency in large population cohorts (gnomAD); In silico analysis supports that this missense variant has a deleterious effect on protein structure/function; Has not been previously published as pathogenic or benign to our knowledge

Labcorp Genetics (formerly Invitae), Labcorp
Classification: Uncertain significance for RYR1-related disorder. Last evaluated: 2024-10-22. Review status: criteria provided, single submitter. Criteria: Invitae Variant Classification Sherloc (09022015). Collection method: clinical testing. Allele origin: germline.
Comment: This sequence change replaces methionine, which is neutral and non-polar, with threonine, which is neutral and polar, at codon 1229 of the RYR1 protein (p.Met1229Thr). This variant is present in population databases (rs750057461, gnomAD 0.0009%). This variant has not been reported in the literature in individuals affected with RYR1-related conditions. ClinVar contains an entry for this variant (Variation ID: 436624). Invitae Evidence Modeling of protein sequence and biophysical properties (such as structural, functional, and spatial information, amino acid conservation, physicochemical variation, residue mobility, and thermodynamic stability) has been performed for this missense variant. However, the output from this modeling did not meet the statistical confidence thresholds required to predict the impact of this variant on RYR1 protein function. In summary, the available evidence is currently insufficient to determine the role of this variant in disease. Therefore, it has been classified as a Variant of Uncertain Significance.

Revvity Omics, Revvity
Classification: Uncertain significance. Last evaluated: 2024-10-16. Review status: criteria provided, single submitter. Criteria: ACMG Guidelines, 2015. Collection method: clinical testing. Allele origin: germline.

All of Us Research Program, National Institutes of Health
Classification: Uncertain significance for Malignant hyperthermia, susceptibility to, 1. Last evaluated: 2023-12-01. Review status: criteria provided, single submitter. Criteria: ACMG Guidelines, 2015. Collection method: clinical testing. Allele origin: germline. Inheritance: Autosomal dominant inheritance. Observed: 6 variant alleles, 6 heterozygotes.
Comment: This missense variant replaces methionine with threonine at codon 1229 of the RYR1 protein. Computational prediction suggests that this variant may have deleterious impact on protein structure and function (internally defined REVEL score threshold >= 0.7, PMID: 27666373). To our knowledge, functional studies have not been reported for this variant. This variant has not been reported in individuals affected with RYR1-related disorders in the literature. This variant has been identified in 1/251348 chromosomes in the general population by the Genome Aggregation Database (gnomAD). The available evidence is insufficient to determine the role of this variant in disease conclusively. Therefore, this variant is classified as a Variant of Uncertain Significance.

This study involves interpretation of variants in research participants for the purpose of population health screening. Participant phenotype was not available at the time of variant classification. Additional details can be found in publication PMID: 35346344, PMCID: PMC8962531

Genetic Services Laboratory, University of Chicago
Classification: Uncertain significance. Last evaluated: 2015-08-19. Review status: criteria provided, single submitter. Criteria: ACMG Guidelines, 2015. Collection method: clinical testing. Allele origin: germline. Affected: no.

NM_000540.3(RYR1):c.3686T>C (p.Met1229Thr)

Gene: RYR1 (ryanodine receptor 1; plus strand). Cytogenetic location: 19q13.2.
Variant type: single nucleotide variant.
Coding change: c.3686T>C on transcript NM_000540.3 (MANE Select); coding-DNA position 3686, T replaced by C.
Protein change: p.Met1229Thr; replaces methionine 1229 with threonine.
Molecular consequence: missense variant.
Genome position (GRCh38, 1-based): chr19:38,469,434, T>C. VCF-style: chr19-38469434-T-C. GRCh37 (hg19) VCF-style: chr19-38960074-T-C.
Other names: c.3686T>C, p.Met1229Thr (NM_001042723.2); short protein forms M1229T.
Identifiers: ClinVar variation 436624 (VCV000436624.15), dbSNP rs750057461, ClinGen allele CA308078045.